The following is an entry in ClinVar:

NM_005901.6(SMAD2):c.341G>A (p.Arg114His)

Gene: SMAD2 (SMAD family member 2; minus strand). Cytogenetic location: 18q21.1.
Variant type: single nucleotide variant.
Coding change: c.341G>A on transcript NM_005901.6 (MANE Select); coding-DNA position 341, G replaced by A.
Protein change: p.Arg114His; replaces arginine 114 with histidine.
Molecular consequence: missense variant.
Genome position (GRCh38, 1-based): chr18:47,869,422, C>T on the plus strand (G>A on the coding strand, the complement: SMAD2 is on the minus strand). VCF-style: chr18-47869422-C-T. GRCh37 (hg19) VCF-style: chr18-45395793-C-T.
Other names: c.341G>A, p.Arg114His (NM_001003652.4); c.251G>A, p.Arg84His (NM_001135937.3); short protein forms R114H, R84H.
Identifiers: ClinVar variation 1806591 (VCV001806591.2), dbSNP rs1404495202, ClinGen allele CA402502220.

ClinVar aggregate classification (germline): Uncertain significance. Review status: criteria provided, multiple submitters, no conflicts (2 of 4 stars). 2 submissions from 2 submitters: Uncertain significance (2). Last evaluated 2025-04-30.

Allele frequency attached by ClinVar (database versions not stated): gnomAD exomes below 0.00001; TOPMed below 0.00001; gnomAD 0.00001.
gnomAD v4.1: 6 of 1,603,740 alleles (0.00037%); highest among the groups gnomAD compares: Non-Finnish European, 0.00051%; no homozygotes.

Submissions (2):

Labcorp Genetics (formerly Invitae), Labcorp
Classification: Uncertain significance. Last evaluated: 2025-04-30. Review status: criteria provided, single submitter. Criteria: Invitae Variant Classification Sherloc (09022015). Collection method: clinical testing. Allele origin: germline.
Comment: This sequence change replaces arginine, which is basic and polar, with histidine, which is basic and polar, at codon 114 of the SMAD2 protein (p.Arg114His). This variant is not present in population databases (gnomAD no frequency). This variant has not been reported in the literature in individuals affected with SMAD2-related conditions. ClinVar contains an entry for this variant (Variation ID: 1806591). Invitae Evidence Modeling of protein sequence and biophysical properties (such as structural, functional, and spatial information, amino acid conservation, physicochemical variation, residue mobility, and thermodynamic stability) indicates that this missense variant is expected to disrupt SMAD2 protein function with a positive predictive value of 80%. In summary, the available evidence is currently insufficient to determine the role of this variant in disease. Therefore, it has been classified as a Variant of Uncertain Significance.

GeneDx
Classification: Uncertain significance. Last evaluated: 2022-06-21. Review status: criteria provided, single submitter. Criteria: GeneDx Variant Classification Process June 2021. Collection method: clinical testing. Allele origin: germline. Affected: yes.
Comment: Not observed at significant frequency in large population cohorts (gnomAD); In silico analysis supports that this missense variant has a deleterious effect on protein structure/function; Has not been previously published as pathogenic or benign to our knowledge